The following is an entry in ClinVar:

ClinVar aggregate classification (germline): Conflicting classifications of pathogenicity. Review status: criteria provided, conflicting classifications (1 of 4 stars). 3 submissions from 3 submitters: Uncertain significance (2); Likely benign (1). Last evaluated 2025-10-22.

Conditions:
Mitochondrial complex V (ATP synthase) deficiency, nuclear type 1. Also called: Nuclear-Encoded ATPase Deficiency, ATPAF2-Related; MITOCHONDRIAL COMPLEX V (ATP SYNTHASE) DEFICIENCY, ATPAF2 TYPE. Identifiers: Orphanet 254913, MedGen C3276276, MONDO:0011421, OMIM 604273.

Allele frequency attached by ClinVar (database versions not stated): TOPMed 0.00018; gnomAD 0.00021 and 0.00023; gnomAD exomes 0.00030; ExAC 0.00034; 1000 Genomes Project 30x 0.00078; 1000 Genomes Project 0.00080.
gnomAD v4.1: 175 of 1,613,432 alleles (0.011%); highest among the groups gnomAD compares: East Asian, 0.17%; no homozygotes.

Submissions (3):

GeneDx
Classification: Uncertain significance. Last evaluated: 2025-10-22. Review status: criteria provided, single submitter. Criteria: GeneDx Variant Classification Process June 2021. Collection method: clinical testing. Allele origin: germline. Affected: yes.
Comment: In silico analysis suggests that this missense variant does not alter protein structure/function; Has not been previously published as pathogenic or benign to our knowledge

Labcorp Genetics (formerly Invitae), Labcorp
Classification: Likely benign. Last evaluated: 2025-08-04. Review status: criteria provided, single submitter. Criteria: Invitae Variant Classification Sherloc (09022015). Collection method: clinical testing. Allele origin: germline.

Illumina Laboratory Services, Illumina
Classification: Uncertain significance for Mitochondrial complex V (ATP synthase) deficiency, nuclear type 1. Last evaluated: 2018-01-12. Review status: criteria provided, single submitter. Criteria: ICSL Variant Classification Criteria 13 December 2019. Collection method: clinical testing. Allele origin: germline.

NM_145691.4(ATPAF2):c.634G>T (p.Ala212Ser)

Gene: ATPAF2 (ATP synthase mitochondrial F1 complex assembly factor 2; minus strand). Cytogenetic location: 17p11.2.
Variant type: single nucleotide variant.
Coding change: c.634G>T on transcript NM_145691.4 (MANE Select); coding-DNA position 634, G replaced by T.
Protein change: p.Ala212Ser; replaces alanine 212 with serine.
Molecular consequence: missense variant.
Genome position (GRCh38, 1-based): chr17:18,021,221, C>A on the plus strand (G>T on the coding strand, the complement: ATPAF2 is on the minus strand). VCF-style: chr17-18021221-C-A. GRCh37 (hg19) VCF-style: chr17-17924535-C-A.
Other names: short protein forms A212S.
Identifiers: ClinVar variation 322095 (VCV000322095.12), dbSNP rs141020107, ClinGen allele CA8421785.